The following is an entry in ClinVar:

NM_001378120.1(MBD5):c.4511G>T (p.Arg1504Ile)

Gene: MBD5 (methyl-CpG binding domain protein 5; plus strand). Cytogenetic location: 2q23.1.
Variant type: single nucleotide variant.
Coding change: c.4511G>T on transcript NM_001378120.1 (MANE Select); coding-DNA position 4511, G replaced by T.
Protein change: p.Arg1504Ile; replaces arginine 1504 with isoleucine.
Molecular consequence: missense variant.
Genome position (GRCh38, 1-based): chr2:148,490,143, G>T. VCF-style: chr2-148490143-G-T. GRCh37 (hg19) VCF-style: chr2-149247712-G-T.
Other names: c.3812G>T, p.Arg1271Ile (NM_018328.5); short protein forms R1271I, R1504I.
Identifiers: ClinVar variation 3689279 (VCV003689279.2).

ClinVar aggregate classification (germline): Uncertain significance (1 of 4 stars; one submission).

Conditions:
Intellectual developmental disorder, autosomal dominant 1. Also called: MBD5 Haploinsufficiency; Intellectual disability, autosomal dominant 1. Identifiers: Orphanet 228402, MedGen C1969562, MONDO:0007974, OMIM 156200.

gnomAD v4.1: 1 of 1,613,882 alleles (0.000062%); highest among the groups gnomAD compares: South Asian, 0.0011%; no homozygotes.

Submission:

Labcorp Genetics (formerly Invitae), Labcorp
Classification: Uncertain significance for Intellectual developmental disorder, autosomal dominant 1. Last evaluated: 2024-09-23. Review status: criteria provided, single submitter. Criteria: Invitae Variant Classification Sherloc (09022015). Collection method: clinical testing. Allele origin: germline.
Comment: This sequence change replaces arginine, which is basic and polar, with isoleucine, which is neutral and non-polar, at codon 1271 of the MBD5 protein (p.Arg1271Ile). This variant is present in population databases (rs759137833, gnomAD 0.003%). This variant has not been reported in the literature in individuals affected with MBD5-related conditions. Experimental studies and prediction algorithms are not available or were not evaluated, and the functional significance of this variant is currently unknown. In summary, the available evidence is currently insufficient to determine the role of this variant in disease. Therefore, it has been classified as a Variant of Uncertain Significance.